The following is an entry in ClinVar:

ClinVar aggregate classification (germline): Likely benign. Review status: criteria provided, multiple submitters, no conflicts (2 of 4 stars). 3 submissions from 3 submitters: Likely benign (2). 1 of the submissions does not count toward it. Last evaluated 2024-10-07.

Conditions:
MYOM1-related disorder.
Hypertrophic cardiomyopathy. Also called: HYPERTROPHIC MYOCARDIOPATHY. Identifiers: Orphanet 217569, MedGen C0007194, MeSH D002312, MONDO:0005045, HP:0001639.

Allele frequency attached by ClinVar (database versions not stated): gnomAD 0.00004 and 0.00003; gnomAD exomes 0.00010 and 0.00011; ExAC 0.00017; ESP Exome Variant Server 0.00024; TOPMed 0.00008.
gnomAD v4.1: 165 of 1,613,616 alleles (0.01%); highest among the groups gnomAD compares: Non-Finnish European, 0.013%; no homozygotes.

Submissions (3):

Labcorp Genetics (formerly Invitae), Labcorp
Classification: Likely benign for Hypertrophic cardiomyopathy. Last evaluated: 2024-10-07. Review status: criteria provided, single submitter. Criteria: Invitae Variant Classification Sherloc (09022015). Collection method: clinical testing. Allele origin: germline.

Ambry Genetics
Classification: Likely benign. Last evaluated: 2022-02-14. Review status: criteria provided, single submitter. Criteria: Ambry Variant Classification Scheme 2023. Collection method: clinical testing. Allele origin: germline.

PreventionGenetics, part of Exact Sciences
Classification: Likely benign for MYOM1-related condition. Last evaluated: 2019-04-04. Review status: no assertion criteria provided. Collection method: clinical testing. Allele origin: germline. Not counted in ClinVar's aggregate classification.
Comment: This variant is classified as likely benign based on ACMG/AMP sequence variant interpretation guidelines (Richards et al. 2015 PMID: 25741868, with internal and published modifications).

NM_003803.4(MYOM1):c.4800G>A (p.Pro1600=)

Gene: MYOM1 (myomesin 1; minus strand). Cytogenetic location: 18p11.31.
Variant type: single nucleotide variant.
Coding change: c.4800G>A on transcript NM_003803.4 (MANE Select); coding-DNA position 4800, G replaced by A.
Protein change: p.Pro1600=; no amino-acid change (proline 1600 retained).
Molecular consequence: synonymous variant.
Genome position (GRCh38, 1-based): chr18:3,067,520, C>T on the plus strand (G>A on the coding strand, the complement: MYOM1 is on the minus strand). VCF-style: chr18-3067520-C-T. GRCh37 (hg19) VCF-style: chr18-3067518-C-T.
Other names: c.4512G>A, p.Pro1504= (NM_019856.2).
Identifiers: ClinVar variation 416037 (VCV000416037.15), dbSNP rs368423483, ClinGen allele CA8873759.